The following is an entry in ClinVar:

NM_174936.4(PCSK9):c.657+5G>A

Gene: PCSK9 (proprotein convertase subtilisin/kexin type 9; plus strand). Cytogenetic location: 1p32.3.
Variant type: single nucleotide variant.
Coding change: c.657+5G>A on transcript NM_174936.4 (MANE Select); 5 bases into the intron after coding-DNA position 657, G replaced by A.
Molecular consequence: intron variant.
Genome position (GRCh38, 1-based): chr1:55,052,416, G>A. VCF-style: chr1-55052416-G-A. GRCh37 (hg19) VCF-style: chr1-55518089-G-A.
Other names: c.282+5G>A (NM_001407246.1); c.780+5G>A (NM_001407240.1); c.657+5G>A (NM_001407242.1, NM_001407241.1, NM_001407244.1 and 1 more transcripts); c.600+5G>A (NM_001407243.1); c.465+5G>A (NM_001407245.1).
Identifiers: ClinVar variation 4758540 (VCV004758540.1).

ClinVar aggregate classification (germline): Uncertain significance (1 of 4 stars; one submission).

Conditions:
Familial hypercholesterolemia. Also called: Familial hypercholesterolaemia. Identifiers: MedGen C0020445, MONDO:0005439.

gnomAD v4.1: 7 of 1,613,720 alleles (0.00043%); highest among the groups gnomAD compares: Non-Finnish European, 0.00051%; no homozygotes.

Submission:

Color Diagnostics, LLC DBA Color Health
Classification: Uncertain significance for Familial hypercholesterolemia. Last evaluated: 2025-08-22. Review status: criteria provided, single submitter. Criteria: ACMG Guidelines, 2015. Collection method: clinical testing. Allele origin: germline.
Comment: This variant causes a G to A nucleotide substitution at the +5 position of intron 4 of the PCSK9 gene. Splice site prediction tools indicate that this variant may not affect RNA splicing. To our knowledge, functional studies have not been reported for this variant. This variant has not been reported in individuals affected with PCSK9-related disorders in the literature. This variant has been identified in 1/250824 chromosomes in the general population by the Genome Aggregation Database (gnomAD). The available evidence is insufficient to determine the role of this variant in disease conclusively. Therefore, this variant is classified as a Variant of Uncertain Significance.